The following is an entry in ClinVar:

NM_006035.4(CDC42BPB):c.2948C>T (p.Ala983Val)

Gene: CDC42BPB (CDC42 binding protein kinase beta; minus strand). Cytogenetic location: 14q32.32.
Variant type: single nucleotide variant.
Coding change: c.2948C>T on transcript NM_006035.4 (MANE Select); coding-DNA position 2948, C replaced by T.
Protein change: p.Ala983Val; replaces alanine 983 with valine.
Molecular consequence: missense variant.
Genome position (GRCh38, 1-based): chr14:102,954,642, G>A on the plus strand (C>T on the coding strand, the complement: CDC42BPB is on the minus strand). VCF-style: chr14-102954642-G-A. GRCh37 (hg19) VCF-style: chr14-103420979-G-A.
Other names: c.2948C>T, p.Ala983Val (NM_001411054.1); short protein forms A983V.
Identifiers: ClinVar variation 3051803 (VCV003051803.2), dbSNP rs142167570, ClinGen allele CA7360898.
Genomic context (GRCh38, chr14:102,954,642, plus strand): 5'-CCAGGGCAACGCTGTCTCACCTCCTGCTGCTCTGATGCAGCCACAGACATCGACGGGGAC[G>A]CTTCTGGCTTCGGAGCTTGTGTTTCTTGCTCACTAGCTGAGCTGGTCTGTGAGAACCAAG-3'
Protein context (NP_006026.3, residues 973-993): EQETQAPKPE[Ala983Val]SPSMSVAASE

ClinVar aggregate classification (germline): Likely benign (0 of 4 stars; one submission).

Conditions:
CDC42BPB-related disorder.

Allele frequency attached by ClinVar (database versions not stated): gnomAD exomes 0.00036; ExAC 0.00053; ESP Exome Variant Server 0.00092; gnomAD 0.00119; 1000 Genomes Project 0.00200; 1000 Genomes Project 30x 0.00219.
gnomAD v4.1: 757 of 1,613,968 alleles (0.047%); highest among the groups gnomAD compares: African/African-American, 0.31%; 2 homozygotes.

Submission:

PreventionGenetics, part of Exact Sciences
Classification: Likely benign for CDC42BPB-related condition. Last evaluated: 2024-02-27. Review status: no assertion criteria provided. Collection method: clinical testing. Allele origin: germline.
Comment: This variant is classified as likely benign based on ACMG/AMP sequence variant interpretation guidelines (Richards et al. 2015 PMID: 25741868, with internal and published modifications).